The following is an entry in ClinVar:

NM_004958.4(MTOR):c.5432G>T (p.Arg1811Leu)

Gene: MTOR (mechanistic target of rapamycin kinase; minus strand). Cytogenetic location: 1p36.22.
Variant type: single nucleotide variant.
Coding change: c.5432G>T on transcript NM_004958.4 (MANE Select); coding-DNA position 5432, G replaced by T.
Protein change: p.Arg1811Leu; replaces arginine 1811 with leucine.
Molecular consequence: missense variant.
Genome position (GRCh38, 1-based): chr1:11,130,710, C>A on the plus strand (G>T on the coding strand, the complement: MTOR is on the minus strand). VCF-style: chr1-11130710-C-A. GRCh37 (hg19) VCF-style: chr1-11190767-C-A.
Other names: c.5432G>T (LRG_734t1); short protein forms R1811L.
Identifiers: ClinVar variation 664963 (VCV000664963.11), dbSNP rs751393552, ClinGen allele CA338398676.
Genomic context (GRCh38, chr1:11,130,710, plus strand): 5'-GCAGTGGTGGCGTTGGTGATGTTGGCCCCGCTGGCATGACGCAGTTTCTTCTTCTCATCG[C>A]GGGCTTGGTTCTGATGTTTGTAGTGTAGCACAGCTTCGAAGTTCATCACTGCCCACGCAT-3'
Protein context (NP_004949.1, residues 1801-1821): VLHYKHQNQA[Arg1811Leu]DEKKKLRHAS

ClinVar aggregate classification (germline): Uncertain significance. Review status: reviewed by expert panel (3 of 4 stars). 2 submissions from 2 submitters: Uncertain significance (1). 1 of the submissions does not count toward it. Last evaluated 2025-07-01.

Conditions:
Overgrowth syndrome and/or cerebral malformations due to abnormalities in MTOR pathway genes. Identifiers: MedGen CN300503, MONDO:0100283.

Allele frequency attached by ClinVar (database versions not stated): gnomAD exomes below 0.00001.
gnomAD v4.1: 1 of 1,602,052 alleles (0.000062%); highest among the groups gnomAD compares: Admixed American, 0.0017%; no homozygotes.

Submissions (2):

ClinGen Brain Malformations Variant Curation Expert Panel
Classification: Uncertain significance for Overgrowth syndrome and/or cerebral malformations due to abnormalities in MTOR pathway genes. Last evaluated: 2025-07-01. Review status: reviewed by expert panel. Criteria: ClinGen BrainMalform ACMG Specifications V1.1.0. Collection method: curation. Allele origin: germline. Inheritance: Autosomal dominant inheritance.
Comment: The c.5432G>T(NM_004958.4) variant in MTOR is a missense variant predicted to cause substitution of arginine by leucine at amino acid 1811 (p.Arg1811Leu). In gnomAD v4.1.0, this variant has a minor allele frequency of 0.00006% in the Admixed American population and a filtering allele frequency is not provided (PM2_Supporting). MTOR, in which the variant was identified, is defined by the ClinGen Brain Malformations VCEP as a gene that has a low rate of benign missense variation and where pathogenic missense variants are a common mechanism of disease (PP2). This variant resides within the kinase domain of MTOR that is defined as a critical functional domain by the ClinGen BM VCEP (PMIDs: 23322780, 27482884, 21210909) (PM1_Supporting). In summary, this variant meets the criteria to be classified as uncertain significance for mosaic autosomal dominant overgrowth with or without cerebral malformations due to abnormalities in MTOR-pathway genes based on the ACMG/AMP criteria applied, as specified by the ClinGen Brain Malformations Expert Panel: PM2_Supporting, PP2, PM1_Supporting; 3 points (ClinGen Brain Malformations VCEP Specifications Version 1.1).

Labcorp Genetics (formerly Invitae), Labcorp
Classification: Uncertain significance. Last evaluated: 2024-02-15. Review status: criteria provided, single submitter. Criteria: Invitae Variant Classification Sherloc (09022015). Collection method: clinical testing. Allele origin: germline. Not counted in ClinVar's aggregate classification.
Comment: This sequence change replaces arginine, which is basic and polar, with leucine, which is neutral and non-polar, at codon 1811 of the MTOR protein (p.Arg1811Leu). The frequency data for this variant in the population databases is considered unreliable, as metrics indicate poor data quality at this position in the gnomAD database. This variant has not been reported in the literature in individuals affected with MTOR-related conditions. ClinVar contains an entry for this variant (Variation ID: 664963). Advanced modeling of protein sequence and biophysical properties (such as structural, functional, and spatial information, amino acid conservation, physicochemical variation, residue mobility, and thermodynamic stability) performed at Invitae indicates that this missense variant is not expected to disrupt MTOR protein function with a negative predictive value of 95%. In summary, the available evidence is currently insufficient to determine the role of this variant in disease. Therefore, it has been classified as a Variant of Uncertain Significance.